The following is an entry in ClinVar:

NM_000071.3(CBS):c.904G>A (p.Glu302Lys)

Gene: CBS (cystathionine beta-synthase; minus strand). Cytogenetic location: 21q22.3.
Variant type: single nucleotide variant.
Coding change: c.904G>A on transcript NM_000071.3 (MANE Select); coding-DNA position 904, G replaced by A.
Protein change: p.Glu302Lys; replaces glutamic acid 302 with lysine.
Molecular consequence: missense variant.
Genome position (GRCh38, 1-based): chr21:43,063,003, C>T on the plus strand (G>A on the coding strand, the complement: CBS is on the minus strand). VCF-style: chr21-43063003-C-T. GRCh37 (hg19) VCF-style: chr21-44483113-C-T.
Other names: c.904G>A, p.Glu302Lys (NM_001178008.3, NM_001178009.3, NM_001320298.2); c.589G>A, p.Glu197Lys (NM_001321072.1); short protein forms E302K, E197K.
Identifiers: ClinVar variation 496864 (VCV000496864.20), dbSNP rs779270933, ClinGen allele CA321091356.

ClinVar aggregate classification (germline): Conflicting classifications of pathogenicity. Review status: criteria provided, conflicting classifications (1 of 4 stars). 5 submissions from 5 submitters: Pathogenic (2); Likely pathogenic (2); Uncertain significance (1). Last evaluated 2025-10-13.

Conditions:
Classic homocystinuria. Also called: Homocystinuria due to Cystathionine Beta-Synthase Deficiency; Homocystinuria due to CBS deficiency; Cystathionine beta-synthase deficiency; CBS deficiency; HOMOCYSTINURIA WITH OR WITHOUT RESPONSE TO PYRIDOXINE. Identifiers: Orphanet 394, MedGen C0751202, MONDO:0009352, OMIM 236200.
HYPERHOMOCYSTEINEMIA, THROMBOTIC, CBS-RELATED. Identifiers: MedGen C3150344, OMIM 236200.
Homocystinuria. Identifiers: MedGen C0019880, MONDO:0004737, HP:0002156.

Allele frequency attached by ClinVar (database versions not stated): gnomAD exomes below 0.00001; ExAC 0.00002.

Submissions (5):

Natera, Inc.
Classification: Likely pathogenic for Homocystinuria due to cystathionine beta-synthase deficiency. Last evaluated: 2025-10-13. Review status: criteria provided, single submitter. Criteria: Natera Variant Classification Schema (03/2026). Collection method: clinical testing. Allele origin: germline.
Comment: The c.904G>A variant in CBS is a missense variant predicted to cause substitution of glutamic acid to lysine at amino acid 302. This variant is rare in the general population with a frequency below the threshold expected for the associated phenotype(s). This variant has been observed in one or more individuals affected with the associated recessive disease, as either homozygous or compound heterozygous with a second variant (PMID: 34449521, 11535567). This variant has been observed to segregate in affected family members (PMID: 11535567). This variant has been identified in one or more affected individual with a phenotype highly consistent with the associated gene (PMID: 34449521). Given the available evidence, this variant is classified as Likely Pathogenic.

Labcorp Genetics (formerly Invitae), Labcorp
Classification: Pathogenic for HYPERHOMOCYSTEINEMIA, THROMBOTIC, CBS-RELATED. Last evaluated: 2023-07-08. Review status: criteria provided, single submitter. Criteria: Invitae Variant Classification Sherloc (09022015). Collection method: clinical testing. Allele origin: germline.
Comment: This sequence change replaces glutamic acid, which is acidic and polar, with lysine, which is basic and polar, at codon 302 of the CBS protein (p.Glu302Lys). This variant is present in population databases (rs779270933, gnomAD 0.007%). This missense change has been observed in individuals with homocystinuria (PMID: 10338090, 12124992, 29326875; Invitae). ClinVar contains an entry for this variant (Variation ID: 496864). Advanced modeling of protein sequence and biophysical properties (such as structural, functional, and spatial information, amino acid conservation, physicochemical variation, residue mobility, and thermodynamic stability) performed at Invitae indicates that this missense variant is expected to disrupt CBS protein function. Experimental studies have shown that this missense change affects CBS function (PMID: 10338090, 20506325, 22267502). For these reasons, this variant has been classified as Pathogenic.

Baylor Genetics
Classification: Pathogenic for Classic homocystinuria. Last evaluated: 2022-11-28. Review status: criteria provided, single submitter. Criteria: ACMG Guidelines, 2015. Collection method: clinical testing. Allele origin: unknown.

Women's Health and Genetics/Laboratory Corporation of America, LabCorp
Classification: Likely pathogenic for Homocystinuria. Last evaluated: 2021-12-15. Review status: criteria provided, single submitter. Criteria: LabCorp Variant Classification Summary - May 2015. Collection method: clinical testing. Allele origin: germline.
Comment: Variant summary: CBS c.904G>A (p.Glu302Lys) results in a conservative amino acid change located in the Pyridoxal-phosphate dependent enzyme domain (IPR001926) of the encoded protein sequence. Three of five in-silico tools predict a benign effect of the variant on protein function. The variant allele was found at a frequency of 4e-06 in 251416 control chromosomes. c.904G>A has been reported in the literature as a compound heterozygous genotype in individuals affected with Homocystinuria (example, Kraus_1999, Gaustadnes_2002, Voskoboeva_2018). These data indicate that the variant may be associated with disease. Several publications report experimental evidence evaluating an impact on protein function (example, deFranchis_1999, Kozich_2010, Mayfield_2012). The most pronounced variant effect results in 4.9% of normal CBS enzyme activity when expressed in Ecoli extracts and a shorter than expected subunit size by western blot analysis suggestive of partial degradation of the mutant enzyme (deFranchis_1999), inhibited by AdoHcy and not activated by AdoMet (Kozich_2010), and a nonfunctional outcome in yeast as measured by ortholog replacement in Saccharomyces cerevisiae (Mayfield_2012). Two clinical diagnostic laboratories have submitted clinical-significance assessments for this variant to ClinVar after 2014 without evidence for independent evaluation. One laboratory classified the variant as pathogenic and one laboratory classified the variant as uncertain significance. One submitter cites overlapping evidence utilized in the context of this evalution. Based on the evidence outlined above, the variant was classified as likely pathogenic.

Eurofins Ntd Llc (ga)
Classification: Uncertain significance. Last evaluated: 2017-04-12. Review status: criteria provided, single submitter. Criteria: EGL Classification Definitions 2015. Collection method: clinical testing. Allele origin: germline. Observed: 1 variant allele, 1 homozygote.

Literature cited by the submitters: PubMed 34449521 (cited by Natera, Inc.); PubMed 11535567 (cited by Natera, Inc.); PubMed 10338090 (cited by Labcorp Genetics (formerly Invitae), Labcorp and Women's Health and Genetics/Laboratory Corporation of America, LabCorp); PubMed 12124992 (cited by Labcorp Genetics (formerly Invitae), Labcorp and Women's Health and Genetics/Laboratory Corporation of America, LabCorp); PubMed 29326875 (cited by Labcorp Genetics (formerly Invitae), Labcorp and Women's Health and Genetics/Laboratory Corporation of America, LabCorp); PubMed 20506325 (cited by Labcorp Genetics (formerly Invitae), Labcorp and Women's Health and Genetics/Laboratory Corporation of America, LabCorp); PubMed 22267502 (cited by Labcorp Genetics (formerly Invitae), Labcorp and Women's Health and Genetics/Laboratory Corporation of America, LabCorp); PubMed 32245022 (cited by Women's Health and Genetics/Laboratory Corporation of America, LabCorp); PubMed 10408774 (cited by Women's Health and Genetics/Laboratory Corporation of America, LabCorp).